The following is an entry in ClinVar:

NM_173598.6(KSR2):c.1519-4G>A

Gene: KSR2 (kinase suppressor of ras 2; minus strand). Cytogenetic location: 12q24.22.
Variant type: single nucleotide variant.
Coding change: c.1519-4G>A on transcript NM_173598.6 (MANE Select); 4 bases into the intron before coding-DNA position 1519, G replaced by A.
Molecular consequence: intron variant.
Genome position (GRCh38, 1-based): chr12:117,539,891, C>T on the plus strand (G>A on the coding strand, the complement: KSR2 is on the minus strand). VCF-style: chr12-117539891-C-T. GRCh37 (hg19) VCF-style: chr12-117977696-C-T.
Identifiers: ClinVar variation 4991047 (VCV004991047.1).

ClinVar aggregate classification (germline): Likely benign (1 of 4 stars; one submission).

Conditions:
KSR2-related disorder. Also called: KSR2-related condition.

gnomAD v4.1: 2 of 1,599,438 alleles (0.00013%); highest among the groups gnomAD compares: Admixed American, 0.0035%; no homozygotes.

Submission:

PreventionGenetics, part of Exact Sciences
Classification: Likely benign for KSR2-related condition. Last evaluated: 2026-03-27. Review status: criteria provided, single submitter. Criteria: ACMG Guidelines, 2015. Collection method: clinical testing. Allele origin: germline.
Comment: This variant is classified as likely benign based on ACMG/AMP sequence variant interpretation guidelines (Richards et al. 2015 PMID: 25741868, with internal and published modifications).